The following is an entry in ClinVar:

NM_000814.6(GABRB3):c.1113G>A (p.Ser371=)

Gene: GABRB3 (gamma-aminobutyric acid type A receptor subunit beta3; minus strand). Cytogenetic location: 15q12.
Variant type: single nucleotide variant.
Coding change: c.1113G>A on transcript NM_000814.6 (MANE Select); coding-DNA position 1113, G replaced by A.
Protein change: p.Ser371=; no amino-acid change (serine 371 retained).
Molecular consequence: synonymous variant.
Genome position (GRCh38, 1-based): chr15:26,548,102, C>T on the plus strand (G>A on the coding strand, the complement: GABRB3 is on the minus strand). VCF-style: chr15-26548102-C-T. GRCh37 (hg19) VCF-style: chr15-26793249-C-T.
Other names: c.858G>A, p.Ser286= (NM_001191320.2, NM_001278631.2); c.900G>A, p.Ser300= (NM_001191321.3); c.1113G>A, p.Ser371= (NM_021912.5).
Identifiers: ClinVar variation 508232 (VCV000508232.32), dbSNP rs139370891, ClinGen allele CA7437298.

ClinVar aggregate classification (germline): Likely benign. Review status: criteria provided, multiple submitters, no conflicts (2 of 4 stars). 6 submissions from 6 submitters: Likely benign (5). 1 of the submissions does not count toward it. Last evaluated 2025-10-11.

Conditions:
GABRB3-related disorder. Also called: GABRB3-related condition.
Epilepsy, childhood absence, susceptibility to, 5. Identifiers: Orphanet 64280, MedGen C2677087, MONDO:0012843, OMIM 612269.
Epilepsy, childhood absence, susceptibility to, 1. Also called: Epilepsy, childhood absence 1. Identifiers: Orphanet 64280, MedGen C1838604, MONDO:0020759, OMIM 600131.
Seizure. Also called: Seizures. Identifiers: MedGen C0036572, HP:0001250.

Allele frequency attached by ClinVar (database versions not stated): gnomAD 0.00010 and 0.00013; gnomAD exomes 0.00011 and 0.00020; TOPMed 0.00015; ExAC 0.00016; ESP Exome Variant Server 0.00023.
gnomAD v4.1: 180 of 1,613,974 alleles (0.011%); highest among the groups gnomAD compares: Middle Eastern, 0.016%; no homozygotes.

Submissions (6):

Labcorp Genetics (formerly Invitae), Labcorp
Classification: Likely benign for Epilepsy, childhood absence, susceptibility to, 5; Epilepsy, childhood absence, susceptibility to, 1. Last evaluated: 2025-10-11. Review status: criteria provided, single submitter. Criteria: Invitae Variant Classification Sherloc (09022015). Collection method: clinical testing. Allele origin: germline.

Blueprint Genetics
Classification: Likely benign. Last evaluated: 2024-08-05. Review status: criteria provided, single submitter. Criteria: ACMG Guidelines, 2015. Collection method: clinical testing. Allele origin: germline.

CeGaT Center for Human Genetics Tuebingen
Classification: Likely benign. Last evaluated: 2024-08-01. Review status: criteria provided, single submitter. Criteria: CeGaT Center For Human Genetics Tuebingen Variant Classification Criteria Version 2. Collection method: clinical testing. Allele origin: germline. Affected: yes. Observed: 1 variant allele.
Comment: GABRB3: BP4, BP7

GeneDx
Classification: Likely benign. Last evaluated: 2017-10-25. Review status: criteria provided, single submitter. Criteria: GeneDx Variant Classification (06012015). Collection method: clinical testing. Allele origin: germline. Affected: yes.
Comment: This variant is considered likely benign or benign based on one or more of the following criteria: it is a conservative change, it occurs at a poorly conserved position in the protein, it is predicted to be benign by multiple in silico algorithms, and/or has population frequency not consistent with disease.

Ambry Genetics
Classification: Likely benign for Seizures. Last evaluated: 2017-03-08. Review status: criteria provided, single submitter. Criteria: Ambry Autosomal Dominant and X-Linked criteria (3/2017). Collection method: clinical testing. Allele origin: germline. Observed: 1 variant allele.
Comment: In silico models in agreement (benign);Synonymous alterations with insufficient evidence to classify as benign

PreventionGenetics, part of Exact Sciences
Classification: Likely benign for GABRB3-related condition. Last evaluated: 2019-08-30. Review status: no assertion criteria provided. Collection method: clinical testing. Allele origin: germline. Not counted in ClinVar's aggregate classification.
Comment: This variant is classified as likely benign based on ACMG/AMP sequence variant interpretation guidelines (Richards et al. 2015 PMID: 25741868, with internal and published modifications).